The following is an entry in ClinVar:

NM_000059.4(BRCA2):c.3179G>A (p.Ser1060Asn)

Gene: BRCA2 (BRCA2 DNA repair associated; plus strand). Cytogenetic location: 13q13.1.
Variant type: single nucleotide variant.
Coding change: c.3179G>A on transcript NM_000059.4 (MANE Select); coding-DNA position 3179, G replaced by A.
Protein change: p.Ser1060Asn; replaces serine 1060 with asparagine.
Molecular consequence: missense variant.
Genome position (GRCh38, 1-based): chr13:32,337,534, G>A. VCF-style: chr13-32337534-G-A. GRCh37 (hg19) VCF-style: chr13-32911671-G-A.
Other names: c.3179G>A (NM_000059.3); short protein forms S1060N.
Identifiers: ClinVar variation 1045086 (VCV001045086.12), dbSNP rs2072474262, ClinGen allele CA387775822.
Genomic context (GRCh38, chr13:32,337,534, plus strand): 5'-CTAGTTTAGCTTGTGTTGAAATTGTAAATACCTTGGCATTAGATAATCAAAAGAAACTGA[G>A]CAAGCCTCAGTCAATTAATACTGTATCTGCACATTTACAGAGTAGTGTAGTTGTTTCTGA-3'
Protein context (NP_000050.3, residues 1050-1070): TLALDNQKKL[Ser1060Asn]KPQSINTVSA

ClinVar aggregate classification (germline): Conflicting classifications of pathogenicity. Review status: criteria provided, conflicting classifications (1 of 4 stars). 3 submissions from 3 submitters: Uncertain significance (1); Likely benign (1). 1 of the submissions does not count toward it. Last evaluated 2024-03-30.

Conditions:
Hereditary cancer-predisposing syndrome. Also called: Hereditary Cancer Syndrome; Tumor predisposition; Hereditary neoplastic syndrome; Neoplastic Syndromes, Hereditary. Identifiers: Orphanet 140162, MedGen C0027672, MeSH D009386, MONDO:0015356.
BRCA2-related disorder. Also called: BRCA2-related condition; BRCA2-related disorders. Identifiers: MedGen CN239275.
Hereditary breast ovarian cancer syndrome. Also called: Hereditary breast and/or ovarian cancer syndrome; Hereditary breast and ovarian cancer syndrome; Hereditary breast and ovarian cancer syndrome (HBOC); Breast and ovarian cancer; Hereditary breast and ovarian cancer; BRCA1- and BRCA2-Associated Hereditary Breast and Ovarian Cancer. Identifiers: Orphanet 145, MedGen C0677776, MeSH D061325, MONDO:0003582. Disease mechanism: loss of function.

Allele frequency attached by ClinVar (database versions not stated): gnomAD exomes below 0.00001.
gnomAD v4.1: 1 of 1,608,014 alleles (0.000062%); highest among the groups gnomAD compares: Non-Finnish European, 0.000085%; no homozygotes.

Submissions (3):

Labcorp Genetics (formerly Invitae), Labcorp
Classification: Uncertain significance for Hereditary breast ovarian cancer syndrome. Last evaluated: 2024-03-30. Review status: criteria provided, single submitter. Criteria: Invitae Variant Classification Sherloc (09022015). Collection method: clinical testing. Allele origin: germline.
Comment: This sequence change replaces serine, which is neutral and polar, with asparagine, which is neutral and polar, at codon 1060 of the BRCA2 protein (p.Ser1060Asn). This variant is not present in population databases (gnomAD no frequency). This variant has not been reported in the literature in individuals affected with BRCA2-related conditions. ClinVar contains an entry for this variant (Variation ID: 1045086). Advanced modeling of protein sequence and biophysical properties (such as structural, functional, and spatial information, amino acid conservation, physicochemical variation, residue mobility, and thermodynamic stability) performed at Invitae indicates that this missense variant is not expected to disrupt BRCA2 protein function with a negative predictive value of 95%. In summary, the available evidence is currently insufficient to determine the role of this variant in disease. Therefore, it has been classified as a Variant of Uncertain Significance.

University of Washington Department of Laboratory Medicine, University of Washington
Classification: Likely benign for Hereditary cancer-predisposing syndrome. Last evaluated: 2023-03-23. Review status: criteria provided, single submitter. Criteria: Dines et al. (Genet Med. 2020). Collection method: curation. Allele origin: germline.
Comment: Missense variant in a coldspot region where missense variants are very unlikely to be pathogenic (PMID:31911673).

BRCA2 exon 11 coldspot. Reclassification based on statistical prior probability.

PreventionGenetics, part of Exact Sciences
Classification: Uncertain significance for BRCA2-related condition. Last evaluated: 2023-12-21. Review status: no assertion criteria provided. Collection method: clinical testing. Allele origin: germline. Not counted in ClinVar's aggregate classification.
Comment: The BRCA2 c.3179G>A variant is predicted to result in the amino acid substitution p.Ser1060Asn. This variant occurs within a region of the BRCA2 gene that is predicted to be tolerant to missense variation (Table 2, Dines et al. 2020. PubMed ID: 31911673). To our knowledge, this variant has not been reported in the literature or in a large population database, indicating this variant is rare. In ClinVar, this variant has conflicting interpretations of likely benign and uncertain. Although we suspect that this variant may be benign, at this time, the clinical significance of this variant is uncertain due to the absence of conclusive functional and genetic evidence.